The following is an entry in ClinVar:

ClinVar aggregate classification (germline): Benign. Review status: criteria provided, multiple submitters, no conflicts (2 of 4 stars). 2 submissions from 2 submitters: Benign (2). Last evaluated 2013-02-21.

Allele frequency attached by ClinVar (database versions not stated): gnomAD 0.52226 and 0.52078; 1000 Genomes Project 30x 0.53951; 1000 Genomes Project 0.54493; ESP Exome Variant Server 0.60688; ExAC 0.64398; gnomAD exomes 0.51390; TOPMed 0.52285.
gnomAD v4.1: 822,338 of 1,597,398 alleles (51%); highest among the groups gnomAD compares: East Asian, 70%; 213,100 homozygotes.

Submissions (2):

Laboratory for Molecular Medicine, Mass General Brigham Personalized Medicine
Classification: Benign. Last evaluated: 2013-02-21. Review status: criteria provided, single submitter. Criteria: LMM Criteria. Collection method: clinical testing. Allele origin: germline. Observed: 38 variant alleles.
Comment: Tyr669Tyr in exon 17 of MUC5B: This variant is not expected to have clinical sig nificance because it does not alter an amino acid residue and is not located wit hin the splice consensus sequence. It has been identified in 40.0% (1720/4300) o f African American chromosomes from a broad population by the NHLBI Exome Sequen cing Project (dbSNP rs908229).

Breakthrough Genomics
Classification: Benign. Review status: criteria provided, single submitter. Criteria: ACMG Guidelines, 2015. Collection method: not provided. Allele origin: germline. Inheritance: Autosomal dominant inheritance. Affected: yes.

NM_002458.3(MUC5B):c.2007T>C (p.Tyr669=)

Gene: MUC5B (mucin 5B, oligomeric mucus/gel-forming; plus strand). Cytogenetic location: 11p15.5.
Variant type: single nucleotide variant.
Coding change: c.2007T>C on transcript NM_002458.3 (MANE Select); coding-DNA position 2007, T replaced by C.
Protein change: p.Tyr669=; no amino-acid change (tyrosine 669 retained).
Molecular consequence: synonymous variant.
Genome position (GRCh38, 1-based): chr11:1,232,712, T>C. VCF-style: chr11-1232712-T-C. GRCh37 (hg19) VCF-style: chr11-1253942-T-C.
Identifiers: ClinVar variation 163997 (VCV000163997.5), dbSNP rs908229, ClinGen allele CA176757.